The following is an entry in ClinVar:

NM_002430.3(MN1):c.3480C>G (p.Ile1160Met)

Gene: MN1 (MN1 proto-oncogene, transcriptional regulator; minus strand). Cytogenetic location: 22q12.1.
Variant type: single nucleotide variant.
Coding change: c.3480C>G on transcript NM_002430.3 (MANE Select); coding-DNA position 3480, C replaced by G.
Protein change: p.Ile1160Met; replaces isoleucine 1160 with methionine.
Molecular consequence: missense variant.
Genome position (GRCh38, 1-based): chr22:27,797,064, G>C on the plus strand (C>G on the coding strand, the complement: MN1 is on the minus strand). VCF-style: chr22-27797064-G-C. GRCh37 (hg19) VCF-style: chr22-28193052-G-C.
Other names: short protein forms I1160M.
Identifiers: ClinVar variation 3343764 (VCV003343764.1).

ClinVar aggregate classification (germline): Uncertain significance (1 of 4 stars; one submission).

Submission:

GeneDx
Classification: Uncertain significance. Last evaluated: 2023-05-24. Review status: criteria provided, single submitter. Criteria: GeneDx Variant Classification Process June 2021. Collection method: clinical testing. Allele origin: germline. Affected: yes.
Comment: Not observed at significant frequency in large population cohorts (gnomAD); In silico analysis supports that this missense variant has a deleterious effect on protein structure/function; Has not been previously published as pathogenic or benign to our knowledge